The following is an entry in ClinVar:

ClinVar aggregate classification (germline): Likely benign (0 of 4 stars; one submission).

Conditions:
CGNL1-related disorder. Also called: CGNL1-related condition.

Allele frequency attached by ClinVar (database versions not stated): gnomAD exomes below 0.00001; ExAC 0.00001; gnomAD 0.00001; TOPMed 0.00002.
gnomAD v4.1: 3 of 1,613,778 alleles (0.00019%); highest among the groups gnomAD compares: Non-Finnish European, 0.00025%; no homozygotes.

Submission:

PreventionGenetics, part of Exact Sciences
Classification: Likely benign for CGNL1-related condition. Last evaluated: 2020-01-27. Review status: no assertion criteria provided. Collection method: clinical testing. Allele origin: germline.
Comment: This variant is classified as likely benign based on ACMG/AMP sequence variant interpretation guidelines (Richards et al. 2015 PMID: 25741868, with internal and published modifications).

NM_032866.5(CGNL1):c.45T>C (p.Tyr15=)

Gene: CGNL1 (cingulin like 1; plus strand). Cytogenetic location: 15q21.3.
Variant type: single nucleotide variant.
Coding change: c.45T>C on transcript NM_032866.5 (MANE Select); coding-DNA position 45, T replaced by C.
Protein change: p.Tyr15=; no amino-acid change (tyrosine 15 retained).
Molecular consequence: synonymous variant.
Genome position (GRCh38, 1-based): chr15:57,438,044, T>C. VCF-style: chr15-57438044-T-C. GRCh37 (hg19) VCF-style: chr15-57730242-T-C.
Other names: c.45T>C, p.Tyr15= (NM_001252335.2).
Identifiers: ClinVar variation 3052115 (VCV003052115.2), dbSNP rs781292917, ClinGen allele CA7581463.